The following is an entry in ClinVar:

NM_003737.4(DCHS1):c.5036-5C>G

Gene: DCHS1 (dachsous cadherin-related 1; minus strand). Cytogenetic location: 11p15.4.
Variant type: single nucleotide variant.
Coding change: c.5036-5C>G on transcript NM_003737.4 (MANE Select); 5 bases into the intron before coding-DNA position 5036, C replaced by G.
Molecular consequence: intron variant.
Genome position (GRCh38, 1-based): chr11:6,629,582, G>C on the plus strand (C>G on the coding strand, the complement: DCHS1 is on the minus strand). VCF-style: chr11-6629582-G-C. GRCh37 (hg19) VCF-style: chr11-6650813-G-C.
Other names: c.5036-5C>G (NM_003737.3).
Identifiers: ClinVar variation 1658061 (VCV001658061.10), dbSNP rs369059057, ClinGen allele CA5860191.

ClinVar aggregate classification (germline): Benign. Review status: criteria provided, single submitter (1 of 4 stars). 2 submissions from 2 submitters: Benign (1). 1 of the submissions does not count toward it. Last evaluated 2025-12-18.

Conditions:
DCHS1-related disorder. Also called: DCHS1-related condition.

Allele frequency attached by ClinVar (database versions not stated): gnomAD 0.00016 and 0.00038; TOPMed 0.00022; ESP Exome Variant Server 0.00023; gnomAD exomes 0.00084; ExAC 0.00091; 1000 Genomes Project 0.00100; 1000 Genomes Project 30x 0.00125.
gnomAD v4.1: 804 of 1,613,692 alleles (0.05%); highest among the groups gnomAD compares: South Asian, 0.49%; 7 homozygotes.

Submissions (2):

Labcorp Genetics (formerly Invitae), Labcorp
Classification: Benign. Last evaluated: 2025-12-18. Review status: criteria provided, single submitter. Criteria: Invitae Variant Classification Sherloc (09022015). Collection method: clinical testing. Allele origin: germline.

PreventionGenetics, part of Exact Sciences
Classification: Likely benign for DCHS1-related condition. Last evaluated: 2023-12-27. Review status: no assertion criteria provided. Collection method: clinical testing. Allele origin: germline. Not counted in ClinVar's aggregate classification.
Comment: This variant is classified as likely benign based on ACMG/AMP sequence variant interpretation guidelines (Richards et al. 2015 PMID: 25741868, with internal and published modifications).